The following is an entry in ClinVar:

NM_001042492.3(NF1):c.7926C>G (p.Tyr2642Ter)

Gene: NF1 (neurofibromin 1; plus strand). Cytogenetic location: 17q11.2.
Variant type: single nucleotide variant.
Coding change: c.7926C>G on transcript NM_001042492.3 (MANE Select); coding-DNA position 7926, C replaced by G.
Protein change: p.Tyr2642Ter; replaces tyrosine 2642 with a stop codon.
Molecular consequence: nonsense.
Genome position (GRCh38, 1-based): chr17:31,357,325, C>G. VCF-style: chr17-31357325-C-G. GRCh37 (hg19) VCF-style: chr17-29684343-C-G.
Other names: c.7863C>G, p.Tyr2621Ter (NM_000267.4); short protein forms Y2621*, Y2642*.
Identifiers: ClinVar variation 579176 (VCV000579176.2), dbSNP rs1567627217, ClinGen allele CA399203474.

ClinVar aggregate classification (germline): Pathogenic (1 of 4 stars; one submission).

Conditions:
Neurofibromatosis, type 1 (NF1). Also called: Peripheral type neurofibromatosis; Neurofibromatosis, type I; VON RECKLINGHAUSEN DISEASE; NEUROFIBROMATOSIS, TYPE I, SOMATIC. Identifiers: Orphanet 636, MedGen C0027831, MONDO:0018975, OMIM 162200. Disease mechanism: loss of function.

Submission:

Labcorp Genetics (formerly Invitae), Labcorp
Classification: Pathogenic for Neurofibromatosis, type 1. Last evaluated: 2025-12-21. Review status: criteria provided, single submitter. Criteria: Invitae Variant Classification Sherloc (09022015). Collection method: clinical testing. Allele origin: germline.
Comment: This sequence change creates a premature translational stop signal (p.Tyr2621*) in the NF1 gene. It is expected to result in an absent or disrupted protein product. Loss-of-function variants in NF1 are known to be pathogenic (PMID: 10712197, 23913538). This variant is not present in population databases (gnomAD no frequency). This variant has not been reported in the literature in individuals affected with NF1-related conditions. ClinVar contains an entry for this variant (Variation ID: 579176). For these reasons, this variant has been classified as Pathogenic.

Literature cited by the submitters: PubMed 10712197; PubMed 23913538.